The following is an entry in ClinVar:

ClinVar aggregate classification (germline): Likely pathogenic (1 of 4 stars; one submission).

Conditions:
Retinitis pigmentosa 12 (RP12). Also called: RP WITH OR WITHOUT PPRPE; RP WITH OR WITHOUT PRESERVED PARAARTERIOLE RETINAL PIGMENT EPITHELIUM; RETINITIS PIGMENTOSA WITH OR WITHOUT PARAARTERIOLAR PRESERVATION OF RETINAL PIGMENT EPITHELIUM. Identifiers: Orphanet 791, MedGen C1838647, MONDO:0010818, OMIM 600105.
Leber congenital amaurosis 8 (LCA8). Identifiers: Orphanet 65, MedGen C3151202, MONDO:0013453, OMIM 613835.

Submission:

Labcorp Genetics (formerly Invitae), Labcorp
Classification: Likely pathogenic for Leber congenital amaurosis 8; Retinitis pigmentosa 12. Last evaluated: 2023-07-25. Review status: criteria provided, single submitter. Criteria: Invitae Variant Classification Sherloc (09022015). Collection method: clinical testing. Allele origin: germline.
Comment: This variant disrupts the p.Cys239 amino acid residue in CRB1. Other variant(s) that disrupt this residue have been observed in individuals with CRB1-related conditions (PMID: 31106028; Invitae), which suggests that this may be a clinically significant amino acid residue. Advanced modeling of protein sequence and biophysical properties (such as structural, functional, and spatial information, amino acid conservation, physicochemical variation, residue mobility, and thermodynamic stability) performed at Invitae indicates that this missense variant is expected to disrupt CRB1 protein function. ClinVar contains an entry for this variant (Variation ID: 2130117). This variant has not been reported in the literature in individuals affected with CRB1-related conditions. This variant is not present in population databases (gnomAD no frequency). This sequence change replaces cysteine, which is neutral and slightly polar, with tyrosine, which is neutral and polar, at codon 239 of the CRB1 protein (p.Cys239Tyr). In summary, the currently available evidence indicates that the variant is pathogenic, but additional data are needed to prove that conclusively. Therefore, this variant has been classified as Likely Pathogenic.

Literature cited by the submitters: PubMed 31106028.

NM_201253.3(CRB1):c.716G>A (p.Cys239Tyr)

Gene: CRB1 (crumbs cell polarity complex component 1; plus strand). Cytogenetic location: 1q31.3.
Variant type: single nucleotide variant.
Coding change: c.716G>A on transcript NM_201253.3 (MANE Select); coding-DNA position 716, G replaced by A.
Protein change: p.Cys239Tyr; replaces cysteine 239 with tyrosine.
Molecular consequence: missense variant. On other transcripts: non-coding transcript variant (2), intron variant (1).
Genome position (GRCh38, 1-based): chr1:197,344,344, G>A. VCF-style: chr1-197344344-G-A. GRCh37 (hg19) VCF-style: chr1-197313474-G-A.
Other names: c.509G>A, p.Cys170Tyr (NM_001257965.2); c.716G>A, p.Cys239Tyr (NM_001257966.2); c.653-12487G>A (NM_001193640.2); short protein forms C170Y, C239Y.
Identifiers: ClinVar variation 2130117 (VCV002130117.4), dbSNP rs771079655, ClinGen allele CA344083242.